The following is an entry in ClinVar:

NM_153460.4(IL17RC):c.1493G>A (p.Arg498Lys)

Genes: IL17RC (interleukin 17 receptor C; plus strand), LOC129936143 (ATAC-STARR-seq lymphoblastoid silent region 14050; plus strand). Cytogenetic location: 3p25.3.
Variant type: single nucleotide variant.
Coding change: c.1493G>A on transcript NM_153460.4 (MANE Select); coding-DNA position 1493, G replaced by A.
Protein change: p.Arg498Lys; replaces arginine 498 with lysine.
Molecular consequence: missense variant. On other transcripts: non-coding transcript variant (1), intron variant (5).
Genome position (GRCh38, 1-based): chr3:9,932,829, G>A. VCF-style: chr3-9932829-G-A. GRCh37 (hg19) VCF-style: chr3-9974513-G-A.
Other names: c.1397G>A, p.Arg466Lys (NM_001203265.2); c.1448G>A, p.Arg483Lys (NM_032732.6); c.1706G>A, p.Arg569Lys (NM_153461.4); c.1484-124G>A (NM_001203263.2); c.1433-124G>A (NM_001203264.2); c.1445-124G>A (NM_001367278.1); c.1439-124G>A (NM_001367280.1); c.1364-124G>A (NM_001367279.1); short protein forms R466K, R483K, R498K, R569K.
Identifiers: ClinVar variation 2181042 (VCV002181042.4), dbSNP rs1401512504, ClinGen allele CA351703391.

ClinVar aggregate classification (germline): Uncertain significance (1 of 4 stars; one submission).

Conditions:
Candidiasis, familial, 9 (CANDF9). Identifiers: Orphanet 1334, MedGen C4225324, MONDO:0014642, OMIM 616445.

Allele frequency attached by ClinVar (database versions not stated): TOPMed below 0.00001; gnomAD 0.00001.
gnomAD v4.1: 3 of 1,562,212 alleles (0.00019%); highest among the groups gnomAD compares: East Asian, 0.0022%; no homozygotes.

Submission:

Labcorp Genetics (formerly Invitae), Labcorp
Classification: Uncertain significance for Candidiasis, familial, 9. Last evaluated: 2023-08-04. Review status: criteria provided, single submitter. Criteria: Invitae Variant Classification Sherloc (09022015). Collection method: clinical testing. Allele origin: germline.
Comment: An algorithm developed to predict the effect of missense changes on protein structure and function (PolyPhen-2) suggests that this variant is likely to be tolerated. In summary, the available evidence is currently insufficient to determine the role of this variant in disease. Therefore, it has been classified as a Variant of Uncertain Significance. ClinVar contains an entry for this variant (Variation ID: 2181042). This sequence change replaces arginine, which is basic and polar, with lysine, which is basic and polar, at codon 569 of the IL17RC protein (p.Arg569Lys). This variant is not present in population databases (gnomAD no frequency). This variant has not been reported in the literature in individuals affected with IL17RC-related conditions.